The following is an entry in ClinVar:

NM_144991.3(TSPEAR):c.1703T>C (p.Leu568Pro)

Genes: TSPEAR (thrombospondin type laminin G domain and EAR repeats; minus strand), TSPEAR-AS1 (TSPEAR antisense RNA 1; plus strand), LOC126653398 (CDK7 strongly-dependent group 2 enhancer GRCh37_chr21:45928270-45929469; plus strand). Cytogenetic location: 21q22.3.
Variant type: single nucleotide variant.
Coding change: c.1703T>C on transcript NM_144991.3 (MANE Select); coding-DNA position 1703, T replaced by C.
Protein change: p.Leu568Pro; replaces leucine 568 with proline.
Molecular consequence: missense variant.
Genome position (GRCh38, 1-based): chr21:44,509,250, A>G on the plus strand (T>C on the coding strand, the complement: TSPEAR is on the minus strand). VCF-style: chr21-44509250-A-G. GRCh37 (hg19) VCF-style: chr21-45929133-A-G.
Other names: c.1499T>C, p.Leu500Pro (NM_001272037.2); short protein forms L500P, L568P.
Identifiers: ClinVar variation 3726077 (VCV003726077.2).

ClinVar aggregate classification (germline): Uncertain significance (1 of 4 stars; one submission).

Submission:

Labcorp Genetics (formerly Invitae), Labcorp
Classification: Uncertain significance. Last evaluated: 2024-09-10. Review status: criteria provided, single submitter. Criteria: Invitae Variant Classification Sherloc (09022015). Collection method: clinical testing. Allele origin: germline.
Comment: This sequence change replaces leucine, which is neutral and non-polar, with proline, which is neutral and non-polar, at codon 568 of the TSPEAR protein (p.Leu568Pro). This variant is not present in population databases (gnomAD no frequency). This variant has not been reported in the literature in individuals affected with TSPEAR-related conditions. Invitae Evidence Modeling of protein sequence and biophysical properties (such as structural, functional, and spatial information, amino acid conservation, physicochemical variation, residue mobility, and thermodynamic stability) indicates that this missense variant is expected to disrupt TSPEAR protein function with a positive predictive value of 80%. In summary, the available evidence is currently insufficient to determine the role of this variant in disease. Therefore, it has been classified as a Variant of Uncertain Significance.